The following is an entry in ClinVar:

NM_001134225.2(INPP4A):c.1968G>A (p.Ala656=)

Gene: INPP4A (inositol polyphosphate-4-phosphatase type I A; plus strand). Cytogenetic location: 2q11.2.
Variant type: single nucleotide variant.
Coding change: c.1968G>A on transcript NM_001134225.2 (MANE Select); coding-DNA position 1968, G replaced by A.
Protein change: p.Ala656=; no amino-acid change (alanine 656 retained).
Molecular consequence: synonymous variant.
Genome position (GRCh38, 1-based): chr2:98,563,577, G>A. VCF-style: chr2-98563577-G-A. GRCh37 (hg19) VCF-style: chr2-99180040-G-A.
Other names: c.1983G>A, p.Ala661= (NM_001134224.2); c.1869G>A, p.Ala623= (NM_001351424.1, NM_001351425.2, NM_001351426.2); c.1866G>A, p.Ala622= (NM_001351427.2, NM_001566.2, NM_004027.3); c.1851G>A, p.Ala617= (NM_001351428.2); c.1818G>A, p.Ala606= (NM_001351429.2).
Identifiers: ClinVar variation 4821499 (VCV004821499.5).
Genomic context (GRCh38, chr2:98,563,577, plus strand): 5'-GGCCATGATGAGTGACAAGGCCAAGAAGGCCATGGTATTCCTGCTCATGCAGGACAGCGC[G>A]CCCACCATAGCCACCTACCTGAGCCTGCAGTACCGCCGTGACGTGGTCTTCTGCCAGACG-3'
Protein context (NP_001127697.1, residues 646-666): AMVFLLMQDS[Ala656=]PTIATYLSLQ

ClinVar aggregate classification (germline): Likely benign. Review status: criteria provided, multiple submitters, no conflicts (2 of 4 stars). 2 submissions from 2 submitters: Likely benign (2). Last evaluated 2026-02-01.

gnomAD v4.1: 77 of 1,613,584 alleles (0.0048%); highest among the groups gnomAD compares: African/African-American, 0.052%; no homozygotes.

Submissions (2):

CeGaT Center for Human Genetics Tuebingen
Classification: Likely benign. Last evaluated: 2026-02-01. Review status: criteria provided, single submitter. Criteria: CeGaT Center For Human Genetics Tuebingen Variant Classification Criteria Version 2. Collection method: clinical testing. Allele origin: germline. Affected: yes. Observed: 1 variant allele.
Comment: INPP4A: BP4, BP7

Blueprint Genetics
Classification: Likely benign. Last evaluated: 2024-11-14. Review status: criteria provided, single submitter. Criteria: ACMG Guidelines, 2015. Collection method: clinical testing. Allele origin: germline.